The following is an entry in ClinVar:

NM_001365536.1(SCN9A):c.1891G>T (p.Val631Phe)

Genes: SCN1A-AS1 (SCN1A and SCN9A antisense RNA 1; plus strand), SCN9A (sodium voltage-gated channel alpha subunit 9; minus strand). Cytogenetic location: 2q24.3.
Variant type: single nucleotide variant.
Coding change: c.1891G>T on transcript NM_001365536.1 (MANE Select); coding-DNA position 1891, G replaced by T.
Protein change: p.Val631Phe; replaces valine 631 with phenylalanine.
Molecular consequence: missense variant.
Genome position (GRCh38, 1-based): chr2:166,284,536, C>A on the plus strand (G>T on the coding strand, the complement: SCN9A is on the minus strand). VCF-style: chr2-166284536-C-A. GRCh37 (hg19) VCF-style: chr2-167141046-C-A.
Other names: c.1891G>T, p.Val631Phe (NM_002977.4); short protein forms V631F.
Identifiers: ClinVar variation 1014534 (VCV001014534.6), dbSNP rs767605658, ClinGen allele CA1944408.

ClinVar aggregate classification (germline): Uncertain significance. Review status: criteria provided, multiple submitters, no conflicts (2 of 4 stars). 2 submissions from 2 submitters: Uncertain significance (2). Last evaluated 2026-03-11.

Conditions:
Generalized epilepsy with febrile seizures plus, type 7 (GEFSP7). Also called: GEFS+, TYPE 7. Identifiers: Orphanet 36387, MedGen C2751778, MONDO:0013470, OMIM 613863.
Neuropathy, hereditary sensory and autonomic, type 2A (HSAN2A). Also called: ACROOSTEOLYSIS, GIACCAI TYPE; ACROOSTEOLYSIS, NEUROGENIC; MORVAN DISEASE; NEUROPATHY, CONGENITAL SENSORY; NEUROPATHY, HEREDITARY SENSORY RADICULAR, AUTOSOMAL RECESSIVE; NEUROPATHY, HEREDITARY SENSORY, TYPE IIA. Identifiers: Orphanet 970, MedGen C2752089, MONDO:0024309, OMIM 201300.
Inborn genetic diseases. Identifiers: MedGen C0950123, MeSH D030342.

Allele frequency attached by ClinVar (database versions not stated): gnomAD 0.00001; gnomAD exomes 0.00002 and 0.00001; TOPMed 0.00001; ExAC 0.00002.
gnomAD v4.1: 6 of 1,614,124 alleles (0.00037%); highest among the groups gnomAD compares: Admixed American, 0.01%; no homozygotes.

Submissions (2):

Ambry Genetics
Classification: Uncertain significance for Inborn genetic diseases. Last evaluated: 2026-03-11. Review status: criteria provided, single submitter. Criteria: Ambry Variant Classification Scheme 2023. Collection method: clinical testing. Allele origin: germline.

Labcorp Genetics (formerly Invitae), Labcorp
Classification: Uncertain significance for Neuropathy, hereditary sensory and autonomic, type 2A; Generalized epilepsy with febrile seizures plus, type 7. Last evaluated: 2026-01-09. Review status: criteria provided, single submitter. Criteria: Invitae Variant Classification Sherloc (09022015). Collection method: clinical testing. Allele origin: germline.
Comment: This sequence change replaces valine, which is neutral and non-polar, with phenylalanine, which is neutral and non-polar, at codon 631 of the SCN9A protein (p.Val631Phe). This variant is present in population databases (rs767605658, gnomAD 0.02%). This variant has not been reported in the literature in individuals affected with SCN9A-related conditions. ClinVar contains an entry for this variant (Variation ID: 1014534). Invitae Evidence Modeling of protein sequence and biophysical properties (such as structural, functional, and spatial information, amino acid conservation, physicochemical variation, residue mobility, and thermodynamic stability) indicates that this missense variant is not expected to disrupt SCN9A protein function with a negative predictive value of 95%. In summary, the available evidence is currently insufficient to determine the role of this variant in disease. Therefore, it has been classified as a Variant of Uncertain Significance.